The following is an entry in ClinVar:

ClinVar aggregate classification (germline): Uncertain significance (1 of 4 stars; one submission).

Submission:

Labcorp Genetics (formerly Invitae), Labcorp
Classification: Uncertain significance. Last evaluated: 2023-12-09. Review status: criteria provided, single submitter. Criteria: Invitae Variant Classification Sherloc (09022015). Collection method: clinical testing. Allele origin: germline.
Comment: This sequence change replaces serine, which is neutral and polar, with threonine, which is neutral and polar, at codon 1204 of the USP9X protein (p.Ser1204Thr). This variant is not present in population databases (gnomAD no frequency). This variant has not been reported in the literature in individuals affected with USP9X-related conditions. An algorithm developed to predict the effect of missense changes on protein structure and function (PolyPhen-2) suggests that this variant is likely to be tolerated. In summary, the available evidence is currently insufficient to determine the role of this variant in disease. Therefore, it has been classified as a Variant of Uncertain Significance.

NM_001039591.3(USP9X):c.3611G>C (p.Ser1204Thr)

Gene: USP9X (ubiquitin specific peptidase 9 X-linked; plus strand). Cytogenetic location: Xp11.4.
Variant type: single nucleotide variant.
Coding change: c.3611G>C on transcript NM_001039591.3 (MANE Select); coding-DNA position 3611, G replaced by C.
Protein change: p.Ser1204Thr; replaces serine 1204 with threonine.
Molecular consequence: missense variant.
Genome position (GRCh38, 1-based): chrX:41,186,569, G>C. VCF-style: chrX-41186569-G-C. GRCh37 (hg19) VCF-style: chrX-41045822-G-C.
Other names: c.3611G>C, p.Ser1204Thr (NM_001039590.3); c.3626G>C, p.Ser1209Thr (NM_001410748.1, NM_001410749.1); short protein forms S1209T, S1204T.
Identifiers: ClinVar variation 2692999 (VCV002692999.3), dbSNP rs2519273698, ClinGen allele CA412766324.